The following is an entry in ClinVar:

ClinVar aggregate classification (germline): Conflicting classifications of pathogenicity. Review status: criteria provided, conflicting classifications (1 of 4 stars). 3 submissions from 3 submitters: Pathogenic (1); Likely pathogenic (1); Uncertain significance (1). Last evaluated 2022-09-12.

Conditions:
BEST1-related disorder. Also called: BEST1-related disorders; BEST1-related condition. Identifiers: MedGen CN239200.
Retinal dystrophy. Also called: Inherited retinal dystrophy. Identifiers: Orphanet 71862, MedGen C0854723, MeSH D058499, MONDO:0019118, HP:0000556.
Vitelliform macular dystrophy 2. Also called: Best Vitelliform Macular Dystrophy (BVMD); VITELLIFORM MACULAR DYSTROPHY, EARLY-ONSET; VITELLIFORM MACULAR DYSTROPHY, JUVENILE-ONSET; Best Macular Dystrophy; MACULAR DEGENERATION, POLYMORPHIC VITELLINE; Best vitelliform macular dystrophy, multifocal. Identifiers: Orphanet 1243, MedGen C2745945, MONDO:0007931, OMIM 153700.

Submissions (3):

Blueprint Genetics
Classification: Pathogenic for BEST1-related disorders. Last evaluated: 2022-09-12. Review status: criteria provided, single submitter. Criteria: ACMG Guidelines, 2015. Collection method: clinical testing. Allele origin: germline. Affected: yes. Observed: 3 variant alleles.

Centre for Mendelian Genomics, University Medical Centre Ljubljana
Classification: Uncertain significance for Vitelliform macular dystrophy 2. Last evaluated: 2019-06-03. Review status: criteria provided, single submitter. Criteria: ACMG Guidelines, 2015. Collection method: clinical testing. Allele origin: unknown. Affected: yes.
Comment: This variant was classified as: Uncertain significance. The available evidence favors the pathogenic nature of this variant, however the currently available data is insufficient to conclusively support its pathogenic nature. Thus this variant is classified as Uncertain significance - favor pathogenic. The following ACMG criteria were applied in classifying this variant: PM2,PP2,PP3,PP4.

Institute of Human Genetics, Univ. Regensburg, Univ. Regensburg
Classification: Likely pathogenic for Retinal dystrophy. Last evaluated: 2014-01-01. Review status: criteria provided, single submitter. Criteria: ACMG Guidelines, 2015. Collection method: clinical testing. Allele origin: germline. Affected: yes.

Literature cited by the submitters: PubMed 27775230 (cited by Institute of Human Genetics, Univ. Regensburg, Univ. Regensburg); PubMed 28687848 (cited by Institute of Human Genetics, Univ. Regensburg, Univ. Regensburg); PubMed 31963381 (cited by Institute of Human Genetics, Univ. Regensburg, Univ. Regensburg).

NM_004183.4(BEST1):c.313C>G (p.Arg105Gly)

Gene: BEST1 (bestrophin 1; plus strand). Cytogenetic location: 11q12.3.
Variant type: single nucleotide variant.
Coding change: c.313C>G on transcript NM_004183.4 (MANE Select); coding-DNA position 313, C replaced by G.
Protein change: p.Arg105Gly; replaces arginine 105 with glycine.
Molecular consequence: missense variant. On other transcripts: non-coding transcript variant (1).
Genome position (GRCh38, 1-based): chr11:61,955,783, C>G. VCF-style: chr11-61955783-C-G. GRCh37 (hg19) VCF-style: chr11-61723255-C-G.
Other names: c.133C>G, p.Arg45Gly (NM_001139443.3, NM_001300786.2, NM_001300787.2); c.-6C>G (NM_001363591.3); c.313C>G, p.Arg105Gly (NM_001363592.2); c.-863C>G (NM_001363593.3); short protein forms R45G, R105G.
Identifiers: ClinVar variation 932077 (VCV000932077.5), dbSNP rs281865273, ClinGen allele CA380834267.